The following is an entry in ClinVar:

NM_032578.4(MYPN):c.3327_3328del (p.Asn1109fs)

Gene: MYPN (myopalladin; plus strand). Cytogenetic location: 10q21.3.
Variant type: Deletion.
Coding change: c.3327_3328del on transcript NM_032578.4 (MANE Select); coding-DNA positions 3327 to 3328, 2 bases deleted (TG; older notation c.3327_3328delTG).
Protein change: p.Asn1109fs; shifts the reading frame from asparagine 1109.
Molecular consequence: frameshift variant. On other transcripts: non-coding transcript variant (2).
Genome position (GRCh38, 1-based): chr10:68,199,409-68,199,410, TG deleted. VCF-style (leftmost placement, unchanged base first): chr10-68199408-ATG-A. GRCh37 (hg19) VCF-style: chr10-69959165-ATG-A.
Other names: c.3327_3328del, p.Asn1109fs (NM_001256267.2); c.2445_2446del, p.Asn815fs (NM_001256268.2); short protein forms N815fs, N1109fs.
Identifiers: ClinVar variation 2760763 (VCV002760763.3), dbSNP rs2495965716, ClinGen allele CA2609373567.

ClinVar aggregate classification (germline): Pathogenic (1 of 4 stars; one submission).

Conditions:
Dilated cardiomyopathy 1KK (CMD1KK). Identifiers: Orphanet 154, Orphanet 75249, MedGen C3714995, MONDO:0014100, OMIM 615248.

Allele frequency attached by ClinVar (database versions not stated): gnomAD exomes below 0.00001.

Submission:

Labcorp Genetics (formerly Invitae), Labcorp
Classification: Pathogenic for Dilated cardiomyopathy 1KK. Last evaluated: 2023-10-07. Review status: criteria provided, single submitter. Criteria: Invitae Variant Classification Sherloc (09022015). Collection method: clinical testing. Allele origin: germline.
Comment: This sequence change creates a premature translational stop signal (p.Asn1109Lysfs*25) in the MYPN gene. It is expected to result in an absent or disrupted protein product. Loss-of-function variants in MYPN are known to be pathogenic (PMID: 28017374). This variant is not present in population databases (gnomAD no frequency). This variant has not been reported in the literature in individuals affected with MYPN-related conditions. For these reasons, this variant has been classified as Pathogenic.

Literature cited by the submitters: PubMed 28017374.